The following is an entry in ClinVar:

NM_000489.6(ATRX):c.3158C>A (p.Thr1053Asn)

Gene: ATRX (ATRX chromatin remodeler; minus strand). Cytogenetic location: Xq21.1.
Variant type: single nucleotide variant.
Coding change: c.3158C>A on transcript NM_000489.6 (MANE Select); coding-DNA position 3158, C replaced by A.
Protein change: p.Thr1053Asn; replaces threonine 1053 with asparagine.
Molecular consequence: missense variant.
Genome position (GRCh38, 1-based): chrX:77,682,098, G>T on the plus strand (C>A on the coding strand, the complement: ATRX is on the minus strand). VCF-style: chrX-77682098-G-T. GRCh37 (hg19) VCF-style: chrX-76937590-G-T.
Other names: c.3044C>A, p.Thr1015Asn (NM_138270.5); short protein forms T1015N, T1053N.
Identifiers: ClinVar variation 953861 (VCV000953861.9), dbSNP rs151273832, ClinGen allele CA10457992.
Genomic context (GRCh38, chrX:77,682,098, plus strand): 5'-CTATCTCCTTTCCCTGTTGACTTCTCAGCATAATCAGATAATTCATCCTTCTTTTTAGAA[G>T]TTTTATCTCTTATTTTTTTACTTTTCTTTTCTCCATCAGTTGTTCCATTCTTAATTTGTT-3'
Protein context (NP_000480.3, residues 1043-1063): EKKSKKIRDK[Thr1053Asn]SKKKDELSDY

ClinVar aggregate classification (germline): Benign/Likely benign. Review status: criteria provided, multiple submitters, no conflicts (2 of 4 stars). 2 submissions from 2 submitters: Benign (1); Likely benign (1). Last evaluated 2025-12-13.

Conditions:
Alpha thalassemia-X-linked intellectual disability syndrome (ATRX). Also called: ALPHA-THALASSEMIA/MENTAL RETARDATION SYNDROME, X-LINKED; ATR, NONDELETION TYPE; ATR-X syndrome; Alpha thalassemia mental retardation syndrome, nondeletion type, X-linked; XLMR hypotonic face syndrome; X-linked alpha-thalassemia-mental retardation syndrome. Identifiers: Orphanet 847, MedGen C1845055, MONDO:0010519, OMIM 301040.

Allele frequency attached by ClinVar (database versions not stated): gnomAD exomes below 0.00001 and 0.00002; gnomAD 0.00007 and 0.00005; TOPMed 0.00006; ExAC 0.00003; ESP Exome Variant Server 0.00009.
gnomAD v4.1: 8 of 1,207,368 alleles (0.00066%); highest among the groups gnomAD compares: African/African-American, 0.012%; no homozygotes.

Submissions (2):

Labcorp Genetics (formerly Invitae), Labcorp
Classification: Benign for Alpha thalassemia-X-linked intellectual disability syndrome. Last evaluated: 2025-12-13. Review status: criteria provided, single submitter. Criteria: Invitae Variant Classification Sherloc (09022015). Collection method: clinical testing. Allele origin: germline.

Women's Health and Genetics/Laboratory Corporation of America, LabCorp
Classification: Likely benign. Last evaluated: 2023-11-10. Review status: criteria provided, single submitter. Criteria: LabCorp Variant Classification Summary - May 2015. Collection method: clinical testing. Allele origin: germline.
Comment: Variant summary: ATRX c.3158C>A (p.Thr1053Asn) results in a non-conservative amino acid change in the encoded protein sequence. Four of five in-silico tools predict a benign effect of the variant on protein function. The variant allele was found at a frequency of 2.2e-05 in 181978 control chromosomes with 1 hemizygote, predominantly at a frequency of 0.00031 within the African or African-American subpopulation in the gnomAD database. To our knowledge, no occurrence of c.3158C>A in individuals affected with ATR-X Syndrome and no experimental evidence demonstrating its impact on protein function have been reported. One submitter has cited clinical-significance assessments for this variant to ClinVar after 2014 and has classified the variant as benign. Based on the evidence outlined above, the variant was classified as likely benign.